The following is an entry in ClinVar:

ClinVar aggregate classification (germline): Uncertain significance (1 of 4 stars; one submission).

gnomAD v4.1: 11 of 1,551,376 alleles (0.00071%); highest among the groups gnomAD compares: Admixed American, 0.02%; no homozygotes.

Submission:

GeneDx
Classification: Uncertain significance. Last evaluated: 2023-06-08. Review status: criteria provided, single submitter. Criteria: GeneDx Variant Classification Process June 2021. Collection method: clinical testing. Allele origin: germline. Affected: yes.
Comment: In silico analysis supports that this missense variant has a deleterious effect on protein structure/function; Has not been previously published as pathogenic or benign to our knowledge

NM_001367479.1(DNAH14):c.3500T>C (p.Ile1167Thr)

Gene: DNAH14 (dynein axonemal heavy chain 14; plus strand). Cytogenetic location: 1q42.12.
Variant type: single nucleotide variant.
Coding change: c.3500T>C on transcript NM_001367479.1 (MANE Select); coding-DNA position 3500, T replaced by C.
Protein change: p.Ile1167Thr; replaces isoleucine 1167 with threonine.
Molecular consequence: missense variant.
Genome position (GRCh38, 1-based): chr1:225,085,716, T>C. VCF-style: chr1-225085716-T-C. GRCh37 (hg19) VCF-style: chr1-225273418-T-C.
Other names: NM_001373.1:c.3500T>C; short protein forms I1167T.
Identifiers: ClinVar variation 3359350 (VCV003359350.1).